The following is an entry in ClinVar:

NM_001367873.1(SOX6):c.213C>T (p.Ser71=)

Gene: SOX6 (SRY-box transcription factor 6; minus strand). Cytogenetic location: 11p15.2.
Variant type: single nucleotide variant.
Coding change: c.213C>T on transcript NM_001367873.1 (MANE Select); coding-DNA position 213, C replaced by T.
Protein change: p.Ser71=; no amino-acid change (serine 71 retained).
Molecular consequence: synonymous variant.
Genome position (GRCh38, 1-based): chr11:16,341,036, G>A on the plus strand (C>T on the coding strand, the complement: SOX6 is on the minus strand). VCF-style: chr11-16341036-G-A. GRCh37 (hg19) VCF-style: chr11-16362582-G-A.
Other names: c.213C>T, p.Ser71= (NM_001145811.2, NM_001145819.2, NM_001367872.1 and 2 more transcripts).
Identifiers: ClinVar variation 3239291 (VCV003239291.19), dbSNP rs746454984.
Genomic context (GRCh38, chr11:16,341,036, plus strand): 5'-GCATTTAGTGGCAGTGGTCAGATTTTAAAGGCTCACCATTCTTTGCTGAGATGACAGAAC[G>A]CTGTCCCAGTCAGCATCTTGTTGAATGGTACTGACAAGTGTTGGTAGCTCCTCAGAGTGA-3'
Protein context (NP_001354802.1, residues 61-81): STIQQDADWD[Ser71=]VLSSQQRMES

ClinVar aggregate classification (germline): Likely benign (1 of 4 stars; one submission).

Allele frequency attached by ClinVar (database versions not stated): gnomAD 0.00001; TOPMed 0.00001.
gnomAD v4.1: 20 of 1,613,186 alleles (0.0012%); highest among the groups gnomAD compares: East Asian, 0.0022%; no homozygotes.

Submission:

CeGaT Center for Human Genetics Tuebingen
Classification: Likely benign. Last evaluated: 2024-05-01. Review status: criteria provided, single submitter. Criteria: CeGaT Center For Human Genetics Tuebingen Variant Classification Criteria Version 2. Collection method: clinical testing. Allele origin: germline. Affected: yes. Observed: 1 variant allele.
Comment: SOX6: BP4, BP7